The following is an entry in ClinVar:

ClinVar aggregate classification (germline): Uncertain significance. Review status: criteria provided, multiple submitters, no conflicts (2 of 4 stars). 3 submissions from 3 submitters: Uncertain significance (2). 1 of the submissions does not count toward it. Last evaluated 2024-04-04.

Conditions:
Glycogen storage disease type III (GSD3). Also called: FORBES DISEASE; Cori disease. Identifiers: Orphanet 366, MedGen C0017922, MONDO:0009291, OMIM 232400.

Allele frequency attached by ClinVar (database versions not stated): gnomAD exomes below 0.00001; gnomAD 0.00001; TOPMed 0.00001.
gnomAD v4.1: 6 of 1,613,902 alleles (0.00037%); highest among the groups gnomAD compares: African/African-American, 0.0027%; no homozygotes.

Submissions (3):

Genomic Medicine Center of Excellence, King Faisal Specialist Hospital and Research Centre
Classification: Uncertain significance for Glycogen storage disease type III. Last evaluated: 2024-04-04. Review status: criteria provided, single submitter. Criteria: ACMG Guidelines, 2015. Collection method: clinical testing. Allele origin: germline.

Labcorp Genetics (formerly Invitae), Labcorp
Classification: Uncertain significance for Glycogen storage disease type III. Last evaluated: 2022-04-18. Review status: criteria provided, single submitter. Criteria: Invitae Variant Classification Sherloc (09022015). Collection method: clinical testing. Allele origin: germline.
Comment: This sequence change replaces arginine, which is basic and polar, with cysteine, which is neutral and slightly polar, at codon 524 of the AGL protein (p.Arg524Cys). This variant is present in population databases (no rsID available, gnomAD 0.0009%). This variant has not been reported in the literature in individuals affected with AGL-related conditions. ClinVar contains an entry for this variant (Variation ID: 965324). Algorithms developed to predict the effect of missense changes on protein structure and function are either unavailable or do not agree on the potential impact of this missense change (SIFT: "Deleterious"; PolyPhen-2: "Probably Damaging"; Align-GVGD: "Class C0"). In summary, the available evidence is currently insufficient to determine the role of this variant in disease. Therefore, it has been classified as a Variant of Uncertain Significance.

Natera, Inc.
Classification: Uncertain significance for Glycogen storage disease type III. Last evaluated: 2020-05-15. Review status: no assertion criteria provided. Collection method: clinical testing. Allele origin: germline. Not counted in ClinVar's aggregate classification.

NM_000642.3(AGL):c.1570C>T (p.Arg524Cys)

Gene: AGL (amylo-alpha-1,6-glucosidase and 4-alpha-glucanotransferase; plus strand). Cytogenetic location: 1p21.2.
Variant type: single nucleotide variant.
Coding change: c.1570C>T on transcript NM_000642.3 (MANE Select); coding-DNA position 1570, C replaced by T.
Protein change: p.Arg524Cys; replaces arginine 524 with cysteine.
Molecular consequence: missense variant.
Genome position (GRCh38, 1-based): chr1:99,877,787, C>T. VCF-style: chr1-99877787-C-T. GRCh37 (hg19) VCF-style: chr1-100343343-C-T.
Other names: c.1570C>T, p.Arg524Cys (NM_000028.3, NM_000643.3, NM_000644.3 and 2 more transcripts); c.1522C>T, p.Arg508Cys (NM_000646.3); c.1369C>T, p.Arg457Cys (NM_001425327.1); c.1366C>T, p.Arg456Cys (NM_001425328.1, NM_001425329.1); c.1192C>T, p.Arg398Cys (NM_001425332.1); short protein forms R508C, R524C, R398C, R456C, R457C.
Identifiers: ClinVar variation 965324 (VCV000965324.9), dbSNP rs1267203580, ClinGen allele CA341314806.
Genomic context (GRCh38, chr1:99,877,787, plus strand): 5'-TATCTCTGGGCACACATGAAAAAATACACTGAAATAACTGCAACTTATTTCCAGGGAGTA[C>T]GTCTTGATAACTGCCACTCAACACCTCTTCACGTAGCTGAGGTACAGAAAAACAATTTAT-3'
Protein context (NP_000633.2, residues 514-534): EITATYFQGV[Arg524Cys]LDNCHSTPLH